The following is an entry in ClinVar:

ClinVar aggregate classification (germline): Conflicting classifications of pathogenicity. Review status: criteria provided, conflicting classifications (1 of 4 stars). 3 submissions from 3 submitters: Uncertain significance (2); Likely benign (1). Last evaluated 2024-02-21.

Conditions:
Arterial calcification, generalized, of infancy, 2. Identifiers: Orphanet 51608, MedGen C3276161, MONDO:0013768, OMIM 614473.
Autosomal recessive inherited pseudoxanthoma elasticum (PXE). Identifiers: Orphanet 758, MedGen CN032334, MONDO:0009925, OMIM 264800.
Pseudoxanthoma elasticum, forme fruste. Also called: Pseudoxanthoma Elasticum, Incomplete; PSEUDOXANTHOMA ELASTICUM, HETEROZYGOUS. Identifiers: Orphanet 758, MedGen C1867450, MONDO:0008333, OMIM 177850.

Allele frequency attached by ClinVar (database versions not stated): gnomAD 0.00001; TOPMed 0.00001; gnomAD exomes 0.00002; ExAC 0.00003; 1000 Genomes Project 30x 0.00016; 1000 Genomes Project 0.00020.
gnomAD v4.1: 11 of 1,613,240 alleles (0.00068%); highest among the groups gnomAD compares: Admixed American, 0.0033%; no homozygotes.

Submissions (3):

Blueprint Genetics
Classification: Likely benign. Last evaluated: 2024-02-21. Review status: criteria provided, single submitter. Criteria: ACMG Guidelines, 2015. Collection method: clinical testing. Allele origin: germline.

Fulgent Genetics
Classification: Uncertain significance for Pseudoxanthoma elasticum, forme fruste; Autosomal recessive inherited pseudoxanthoma elasticum; Arterial calcification, generalized, of infancy, 2. Last evaluated: 2024-02-11. Review status: criteria provided, single submitter. Criteria: ACMG Guidelines, 2015. Collection method: clinical testing. Allele origin: germline.

Labcorp Genetics (formerly Invitae), Labcorp
Classification: Uncertain significance. Last evaluated: 2022-07-19. Review status: criteria provided, single submitter. Criteria: Invitae Variant Classification Sherloc (09022015). Collection method: clinical testing. Allele origin: germline.
Comment: This sequence change falls in intron 12 of the ABCC6 gene. It does not directly change the encoded amino acid sequence of the ABCC6 protein. It affects a nucleotide within the consensus splice site. This variant is present in population databases (rs545106514, gnomAD 0.01%). This variant has not been reported in the literature in individuals affected with ABCC6-related conditions. ClinVar contains an entry for this variant (Variation ID: 1519490). Variants that disrupt the consensus splice site are a relatively common cause of aberrant splicing (PMID: 17576681, 9536098). Algorithms developed to predict the effect of sequence changes on RNA splicing suggest that this variant is not likely to affect RNA splicing. In summary, the available evidence is currently insufficient to determine the role of this variant in disease. Therefore, it has been classified as a Variant of Uncertain Significance.

Literature cited by the submitters: PubMed 17576681 (cited by Labcorp Genetics (formerly Invitae), Labcorp); PubMed 9536098 (cited by Labcorp Genetics (formerly Invitae), Labcorp).

NM_001171.6(ABCC6):c.1635+5C>T

Gene: ABCC6 (ATP binding cassette subfamily C member 6; minus strand). Cytogenetic location: 16p13.11.
Variant type: single nucleotide variant.
Coding change: c.1635+5C>T on transcript NM_001171.6 (MANE Select); 5 bases into the intron after coding-DNA position 1635, C replaced by T.
Molecular consequence: intron variant.
Genome position (GRCh38, 1-based): chr16:16,190,159, G>A on the plus strand (C>T on the coding strand, the complement: ABCC6 is on the minus strand). VCF-style: chr16-16190159-G-A. GRCh37 (hg19) VCF-style: chr16-16284016-G-A.
Other names: c.1293+5C>T (NM_001351800.1).
Identifiers: ClinVar variation 1519490 (VCV001519490.5), dbSNP rs545106514, ClinGen allele CA7926252.